The following is an entry in ClinVar:

ClinVar aggregate classification (germline): Pathogenic (1 of 4 stars; one submission).

Conditions:
46,XY sex reversal 1. Also called: SRY-related 46,XY complete gonadal dysgenesis; 46,XY SEX REVERSAL, SRY-RELATED. Identifiers: Orphanet 242, MedGen C2748896, MONDO:0020712, OMIM 400044.

Submission:

Labcorp Genetics (formerly Invitae), Labcorp
Classification: Pathogenic for 46,XY sex reversal 1. Last evaluated: 2018-12-25. Review status: criteria provided, single submitter. Criteria: Invitae Variant Classification Sherloc (09022015). Collection method: clinical testing. Allele origin: germline.
Comment: For these reasons, this variant has been classified as Pathogenic. This variant disrupts the C-terminus of the SRY protein. Other variant(s) that disrupt this region (p.Ser88*) have been determined to be pathogenic (Invitae). This suggests that variants that disrupt this region of the protein are likely to be causative of disease. Experimental studies and prediction algorithms are not available for this variant, and the functional significance of the affected amino acid(s) is currently unknown. This variant has not been reported in the literature in individuals with SRY-related conditions. This variant is not present in population databases (ExAC no frequency). This sequence change results in a premature translational stop signal in the SRY gene (p.Gln57*). While this is not anticipated to result in nonsense mediated decay, it is expected to disrupt the last 148 amino acids of the SRY protein.

NM_003140.3(SRY):c.169C>T (p.Gln57Ter)

Gene: SRY (sex determining region Y; minus strand). Cytogenetic location: Yp11.2.
Variant type: single nucleotide variant.
Coding change: c.169C>T on transcript NM_003140.3 (MANE Select); coding-DNA position 169, C replaced by T.
Protein change: p.Gln57Ter; replaces glutamine 57 with a stop codon.
Molecular consequence: nonsense.
Genome position (GRCh38, 1-based): chrY:2,787,435, G>A on the plus strand (C>T on the coding strand, the complement: SRY is on the minus strand). VCF-style: chrY-2787435-G-A. GRCh37 (hg19) VCF-style: chrY-2655476-G-A.
Other names: short protein forms Q57*.
Identifiers: ClinVar variation 664404 (VCV000664404.8), dbSNP rs1603308308, ClinGen allele CA414941635.
Genomic context (GRCh38, chrY:2,787,435, plus strand): 5'-TGCGCCTCTGATCGCGAGACCACACGATGAATGCGTTCATGGGTCGCTTCACTCTATCCT[G>A]GACGTTGCCTTTACTGTTTTCTCCCGTTTCACACTGATACTTAGAGTTACAGCTTTCAGT-3'